The following is an entry in ClinVar:

NM_020806.5(GPHN):c.1049G>A (p.Arg350His)

Gene: GPHN (gephyrin; plus strand). Cytogenetic location: 14q23.3.
Variant type: single nucleotide variant.
Coding change: c.1049G>A on transcript NM_020806.5 (MANE Select); coding-DNA position 1049, G replaced by A.
Protein change: p.Arg350His; replaces arginine 350 with histidine.
Molecular consequence: missense variant.
Genome position (GRCh38, 1-based): chr14:67,058,691, G>A. VCF-style: chr14-67058691-G-A. GRCh37 (hg19) VCF-style: chr14-67525408-G-A.
Other names: c.950G>A, p.Arg317His (NM_001024218.2); c.1109G>A, p.Arg370His (NM_001377514.1); c.1079G>A, p.Arg360His (NM_001377515.1); c.1070G>A, p.Arg357His (NM_001377516.1); c.1022G>A, p.Arg341His (NM_001377517.1); c.1007G>A, p.Arg336His (NM_001377518.1); c.989G>A, p.Arg330His (NM_001377519.1); short protein forms R317H, R330H, R336H, R341H, R350H, R357H, R360H, R370H.
Identifiers: ClinVar variation 2428193 (VCV002428193.5), dbSNP rs748299033, ClinGen allele CA7233938.
Genomic context (GRCh38, chr14:67,058,691, plus strand): 5'-AATTATCTTACTGTTTAGGTCACAGTGCTGTCGATATCACCAAGGTGGCTAGAAGACATC[G>A]CATGTCTCCTTTTCCTCTGACATCTATGGACAAAGCCTTTATCACAGTCCTGGAGATGAC-3'
Protein context (NP_065857.1, residues 340-360): VDITKVARRH[Arg350His]MSPFPLTSMD

ClinVar aggregate classification (germline): Uncertain significance (1 of 4 stars; one submission).

Conditions:
Sulfite oxidase deficiency due to molybdenum cofactor deficiency type C. Also called: Molybdenum cofactor deficiency C; Molybdenum cofactor deficiency, complementation group C. Identifiers: Orphanet 308400, Orphanet 833, MedGen C1854990, MONDO:0014212, OMIM 615501.

Allele frequency attached by ClinVar (database versions not stated): TOPMed below 0.00001; ExAC 0.00001; gnomAD 0.00001; gnomAD exomes 0.00001.
gnomAD v4.1: 15 of 1,610,664 alleles (0.00093%); highest among the groups gnomAD compares: South Asian, 0.0044%; no homozygotes.

Submission:

Labcorp Genetics (formerly Invitae), Labcorp
Classification: Uncertain significance for Sulfite oxidase deficiency due to molybdenum cofactor deficiency type C. Last evaluated: 2024-09-05. Review status: criteria provided, single submitter. Criteria: Invitae Variant Classification Sherloc (09022015). Collection method: clinical testing. Allele origin: germline.
Comment: This sequence change replaces arginine, which is basic and polar, with histidine, which is basic and polar, at codon 350 of the GPHN protein (p.Arg350His). This variant is present in population databases (rs748299033, gnomAD 0.006%). This variant has not been reported in the literature in individuals affected with GPHN-related conditions. ClinVar contains an entry for this variant (Variation ID: 2428193). Invitae Evidence Modeling of protein sequence and biophysical properties (such as structural, functional, and spatial information, amino acid conservation, physicochemical variation, residue mobility, and thermodynamic stability) indicates that this missense variant is expected to disrupt GPHN protein function with a positive predictive value of 80%. In summary, the available evidence is currently insufficient to determine the role of this variant in disease. Therefore, it has been classified as a Variant of Uncertain Significance.